The following is an entry in ClinVar:

ClinVar aggregate classification (germline): Pathogenic (1 of 4 stars; one submission).

Conditions:
Landau-Kleffner syndrome (FESD). Also called: EPILEPSY, FOCAL, WITH SPEECH DISORDER AND WITH OR WITHOUT MENTAL RETARDATION; APHASIA, ACQUIRED, WITH EPILEPSY. Identifiers: Orphanet 1945, Orphanet 725, Orphanet 98818, MedGen C0282512, MONDO:0009509, OMIM 245570.

Submission:

Labcorp Genetics (formerly Invitae), Labcorp
Classification: Pathogenic for Landau-Kleffner syndrome. Last evaluated: 2022-10-29. Review status: criteria provided, single submitter. Criteria: Invitae Variant Classification Sherloc (09022015). Collection method: clinical testing. Allele origin: germline.
Comment: This missense change has been observed in individual(s) with epileptic encephalopathy with cerebellar atrophy (Invitae). In at least one individual the variant was observed to be de novo. This sequence change replaces serine, which is neutral and polar, with proline, which is neutral and non-polar, at codon 547 of the GRIN2A protein (p.Ser547Pro). This variant is not present in population databases (gnomAD no frequency). Advanced modeling of protein sequence and biophysical properties (such as structural, functional, and spatial information, amino acid conservation, physicochemical variation, residue mobility, and thermodynamic stability) performed at Invitae indicates that this missense variant is expected to disrupt GRIN2A protein function. For these reasons, this variant has been classified as Pathogenic.

NM_001134407.3(GRIN2A):c.1639T>C (p.Ser547Pro)

Gene: GRIN2A (glutamate ionotropic receptor NMDA type subunit 2A; minus strand). Cytogenetic location: 16p13.2.
Variant type: single nucleotide variant.
Coding change: c.1639T>C on transcript NM_001134407.3 (MANE Select); coding-DNA position 1639, T replaced by C.
Protein change: p.Ser547Pro; replaces serine 547 with proline.
Molecular consequence: missense variant.
Genome position (GRCh38, 1-based): chr16:9,840,659, A>G on the plus strand (T>C on the coding strand, the complement: GRIN2A is on the minus strand). VCF-style: chr16-9840659-A-G. GRCh37 (hg19) VCF-style: chr16-9934516-A-G.
Other names: c.1639T>C, p.Ser547Pro (NM_000833.5, NM_001134408.2); short protein forms S547P.
Identifiers: ClinVar variation 2008236 (VCV002008236.4), dbSNP rs2141341943, ClinGen allele CA394800196.